The following is an entry in ClinVar:

ClinVar aggregate classification (germline): Uncertain significance (1 of 4 stars; one submission).

gnomAD v4.1: 5 of 1,522,430 alleles (0.00033%); highest among the groups gnomAD compares: Non-Finnish European, 0.00044%; no homozygotes.

Submission:

Labcorp Genetics (formerly Invitae), Labcorp
Classification: Uncertain significance. Last evaluated: 2025-05-06. Review status: criteria provided, single submitter. Criteria: Invitae Variant Classification Sherloc (09022015). Collection method: clinical testing. Allele origin: germline.
Comment: This sequence change replaces glycine, which is neutral and non-polar, with valine, which is neutral and non-polar, at codon 893 of the EPHB4 protein (p.Gly893Val). This variant also falls at the last nucleotide of exon 15, which is part of the consensus splice site for this exon. This variant is present in population databases (rs146768192, gnomAD 0.002%). This variant has not been reported in the literature in individuals affected with EPHB4-related conditions. Invitae Evidence Modeling of protein sequence and biophysical properties (such as structural, functional, and spatial information, amino acid conservation, physicochemical variation, residue mobility, and thermodynamic stability) has been performed for this missense variant. However, the output from this modeling did not meet the statistical confidence thresholds required to predict the impact of this variant on EPHB4 protein function. Variants that disrupt the consensus splice site are a relatively common cause of aberrant splicing (PMID: 17576681, 9536098). Algorithms developed to predict the effect of sequence changes on RNA splicing suggest that this variant may disrupt the consensus splice site. In summary, the available evidence is currently insufficient to determine the role of this variant in disease. Therefore, it has been classified as a Variant of Uncertain Significance.

Literature cited by the submitters: PubMed 17576681; PubMed 9536098.

NM_004444.5(EPHB4):c.2678G>T (p.Gly893Val)

Genes: EPHB4 (EPH receptor B4; minus strand), LOC126860124 (CDK7 strongly-dependent group 2 enhancer GRCh37_chr7:100403701-100404900; plus strand). Cytogenetic location: 7q22.1.
Variant type: single nucleotide variant.
Coding change: c.2678G>T on transcript NM_004444.5 (MANE Select); coding-DNA position 2678, G replaced by T.
Protein change: p.Gly893Val; replaces glycine 893 with valine.
Molecular consequence: missense variant.
Genome position (GRCh38, 1-based): chr7:100,805,501, C>A on the plus strand (G>T on the coding strand, the complement: EPHB4 is on the minus strand). VCF-style: chr7-100805501-C-A. GRCh37 (hg19) VCF-style: chr7-100403123-C-A.
Other names: short protein forms G893V.
Identifiers: ClinVar variation 4693745 (VCV004693745.1).